The following is an entry in ClinVar:

NM_018685.5(ANLN):c.934C>A (p.Gln312Lys)

Gene: ANLN (anillin, actin binding protein; plus strand). Cytogenetic location: 7p14.2.
Variant type: single nucleotide variant.
Coding change: c.934C>A on transcript NM_018685.5 (MANE Select); coding-DNA position 934, C replaced by A.
Protein change: p.Gln312Lys; replaces glutamine 312 with lysine.
Molecular consequence: missense variant.
Genome position (GRCh38, 1-based): chr7:36,407,794, C>A. VCF-style: chr7-36407794-C-A. GRCh37 (hg19) VCF-style: chr7-36447403-C-A.
Other names: c.934C>A, p.Gln312Lys (NM_001284301.3, NM_001284302.3); short protein forms Q312K.
Identifiers: ClinVar variation 2617589 (VCV002617589.1), dbSNP rs367853729, ClinGen allele CA4219465.

ClinVar aggregate classification (germline): Uncertain significance (1 of 4 stars; one submission).

Conditions:
Inborn genetic diseases. Identifiers: MedGen C0950123, MeSH D030342.

Allele frequency attached by ClinVar (database versions not stated): gnomAD exomes 0.00001; ExAC 0.00002.
gnomAD v4.1: 7 of 1,613,818 alleles (0.00043%); highest among the groups gnomAD compares: East Asian, 0.013%; no homozygotes.

Submission:

Ambry Genetics
Classification: Uncertain significance for Inborn genetic diseases. Last evaluated: 2023-08-08. Review status: criteria provided, single submitter. Criteria: Ambry General Variant Classification Scheme_2022. Collection method: clinical testing. Allele origin: germline.
Comment: Does not currently meet published gene-disease clinical validity criteria Based on insufficient or conflicting evidence, the clinical significance of this alteration remains unclear.

Literature cited by the submitters: PubMed 28106320.